The following is an entry in ClinVar:

ClinVar aggregate classification (germline): Likely benign (1 of 4 stars; one submission).

Allele frequency attached by ClinVar (database versions not stated): 1000 Genomes Project 30x 0.00078; ExAC 0.00191; 1000 Genomes Project 0.00080; gnomAD exomes 0.00149; ESP Exome Variant Server 0.00154; gnomAD 0.00169; TOPMed 0.00188.
gnomAD v4.1: 2,656 of 1,614,164 alleles (0.16%); highest among the groups gnomAD compares: Middle Eastern, 0.18%; 45 homozygotes.

Submission:

CeGaT Center for Human Genetics Tuebingen
Classification: Likely benign. Last evaluated: 2023-03-01. Review status: criteria provided, single submitter. Criteria: CeGaT Center For Human Genetics Tuebingen Variant Classification Criteria Version 2. Collection method: clinical testing. Allele origin: germline. Affected: yes. Observed: 1 variant allele.
Comment: SLC39A12: BP4, BP7

NM_001145195.2(SLC39A12):c.1245C>T (p.Asp415=)

Gene: SLC39A12 (solute carrier family 39 member 12; plus strand). Cytogenetic location: 10p12.33.
Variant type: single nucleotide variant.
Coding change: c.1245C>T on transcript NM_001145195.2 (MANE Select); coding-DNA position 1245, C replaced by T.
Protein change: p.Asp415=; no amino-acid change (aspartic acid 415 retained).
Molecular consequence: synonymous variant.
Genome position (GRCh38, 1-based): chr10:17,987,627, C>T. VCF-style: chr10-17987627-C-T. GRCh37 (hg19) VCF-style: chr10-18276556-C-T.
Other names: c.1245C>T, p.Asp415= (NM_001282733.2, NM_152725.4); c.843C>T, p.Asp281= (NM_001282734.2).
Identifiers: ClinVar variation 2640338 (VCV002640338.24), dbSNP rs150688709, ClinGen allele CA5429042.